The following is an entry in ClinVar:

ClinVar aggregate classification (germline): Uncertain significance. Review status: criteria provided, multiple submitters, no conflicts (2 of 4 stars). 2 submissions from 2 submitters: Uncertain significance (2). Last evaluated 2024-06-19.

Conditions:
Cranioectodermal dysplasia 1 (CED1). Also called: LEVIN SYNDROME I. Identifiers: Orphanet 1515, MedGen C0432235, MONDO:0021093, OMIM 218330.

Allele frequency attached by ClinVar (database versions not stated): gnomAD 0.00001; TOPMed 0.00002.
gnomAD v4.1: 17 of 1,614,084 alleles (0.0011%); highest among the groups gnomAD compares: Admixed American, 0.012%; no homozygotes.

Submissions (2):

Fulgent Genetics
Classification: Uncertain significance for Cranioectodermal dysplasia 1. Last evaluated: 2024-06-19. Review status: criteria provided, single submitter. Criteria: ACMG Guidelines, 2015. Collection method: clinical testing. Allele origin: germline.

Labcorp Genetics (formerly Invitae), Labcorp
Classification: Uncertain significance for Cranioectodermal dysplasia 1. Last evaluated: 2022-02-18. Review status: criteria provided, single submitter. Criteria: Invitae Variant Classification Sherloc (09022015). Collection method: clinical testing. Allele origin: germline.
Comment: This sequence change replaces asparagine, which is neutral and polar, with serine, which is neutral and polar, at codon 495 of the IFT122 protein (p.Asn495Ser). This variant is present in population databases (no rsID available, gnomAD 0.006%). This variant has not been reported in the literature in individuals affected with IFT122-related conditions. Algorithms developed to predict the effect of missense changes on protein structure and function output the following: SIFT: "Tolerated"; PolyPhen-2: "Benign"; Align-GVGD: "Class C0". The serine amino acid residue is found in multiple mammalian species, which suggests that this missense change does not adversely affect protein function. In summary, the available evidence is currently insufficient to determine the role of this variant in disease. Therefore, it has been classified as a Variant of Uncertain Significance.

NM_052989.3(IFT122):c.1331A>G (p.Asn444Ser)

Gene: IFT122 (intraflagellar transport 122; plus strand). Cytogenetic location: 3q21.3.
Variant type: single nucleotide variant.
Coding change: c.1331A>G on transcript NM_052989.3 (MANE Select); coding-DNA position 1331, A replaced by G.
Protein change: p.Asn444Ser; replaces asparagine 444 with serine.
Molecular consequence: missense variant.
Genome position (GRCh38, 1-based): chr3:129,478,199, A>G. VCF-style: chr3-129478199-A-G. GRCh37 (hg19) VCF-style: chr3-129197042-A-G.
Other names: c.1307A>G, p.Asn436Ser (NM_001280541.2); c.881A>G, p.Asn294Ser (NM_001280545.2); c.704A>G, p.Asn235Ser (NM_001280546.2); c.1331A>G, p.Asn444Ser (NM_001410808.1, NM_001410809.1); c.1154A>G, p.Asn385Ser (NM_001410810.1, NM_001410811.1, NM_001410813.1 and 1 more transcripts); c.998A>G, p.Asn333Ser (NM_001410815.1, NM_001410817.1, NM_052990.3); c.1484A>G, p.Asn495Ser (NM_052985.4); short protein forms N333S, N444S, N235S, N294S, N495S, N385S, N436S.
Identifiers: ClinVar variation 2071412 (VCV002071412.2), dbSNP rs1321674050, ClinGen allele CA354474301.